The following is an entry in ClinVar:

ClinVar aggregate classification (germline): Uncertain significance (1 of 4 stars; one submission).

Conditions:
Alstrom syndrome (ALMS). Identifiers: Orphanet 64, MedGen C0268425, MONDO:0008763, OMIM 203800.

Allele frequency attached by ClinVar (database versions not stated): TOPMed below 0.00001; gnomAD 0.00001.
gnomAD v4.1: 1 of 1,613,832 alleles (0.000062%); highest among the groups gnomAD compares: Non-Finnish European, 0.000085%; no homozygotes.

Submission:

Labcorp Genetics (formerly Invitae), Labcorp
Classification: Uncertain significance for Alstrom syndrome. Last evaluated: 2022-03-20. Review status: criteria provided, single submitter. Criteria: Invitae Variant Classification Sherloc (09022015). Collection method: clinical testing. Allele origin: germline.
Comment: This sequence change replaces proline, which is neutral and non-polar, with serine, which is neutral and polar, at codon 1694 of the ALMS1 protein (p.Pro1694Ser). This variant is not present in population databases (gnomAD no frequency). This variant has not been reported in the literature in individuals affected with ALMS1-related conditions. Experimental studies and prediction algorithms are not available or were not evaluated, and the functional significance of this variant is currently unknown. In summary, the available evidence is currently insufficient to determine the role of this variant in disease. Therefore, it has been classified as a Variant of Uncertain Significance.

NM_001378454.1(ALMS1):c.5077C>T (p.Pro1693Ser)

Gene: ALMS1 (ALMS1 centrosome and basal body associated protein; plus strand). Cytogenetic location: 2p13.1.
Variant type: single nucleotide variant.
Coding change: c.5077C>T on transcript NM_001378454.1 (MANE Select); coding-DNA position 5077, C replaced by T.
Protein change: p.Pro1693Ser; replaces proline 1693 with serine.
Molecular consequence: missense variant.
Genome position (GRCh38, 1-based): chr2:73,451,604, C>T. VCF-style: chr2-73451604-C-T. GRCh37 (hg19) VCF-style: chr2-73678731-C-T.
Other names: c.5080C>T, p.Pro1694Ser (NM_015120.4); short protein forms P1694S, P1693S.
Identifiers: ClinVar variation 1406434 (VCV001406434.3), dbSNP rs1671941473, ClinGen allele CA347279870.